The following is an entry in ClinVar:

NM_001127511.3(APC):c.166-29043G>A

Gene: APC (APC regulator of Wnt signaling pathway; plus strand). Cytogenetic location: 5q22.2.
Variant type: single nucleotide variant.
Coding change: c.166-29043G>A on transcript NM_001127511.3; 29043 bases into the intron before coding-DNA position 166, G replaced by A.
Molecular consequence: intron variant.
Genome position (GRCh38, 1-based): chr5:112,737,283, G>A. VCF-style: chr5-112737283-G-A. GRCh37 (hg19) VCF-style: chr5-112072980-G-A.
Other names: c.-1053-17590G>A (NM_001407470.1, NM_001407472.1); c.-18-17590G>A (NM_001407447.1, NM_001354895.2, NM_001407456.1 and 7 more transcripts); c.166-29043G>A (NM_001407446.1, NM_001354897.2, NM_001354902.2); c.-42-29043G>A (NM_001407453.1).
Identifiers: ClinVar variation 4971639 (VCV004971639.2).
Genomic context (GRCh38, chr5:112,737,283, plus strand): 5'-TGTTCCCGTTTTATACAGCAGGAAATTGAAACACTGAGAGGTTAAGTAACTAAAGTTACA[G>A]AGCTAGAGTGACAGGAGTAAAGCTTCAACTCAGGCAACCCAGACTTCCAGAGTTCTGATC-3'

ClinVar aggregate classification (germline): Likely benign. Review status: criteria provided, multiple submitters, no conflicts (2 of 4 stars). 2 submissions from 2 submitters: Likely benign (2). Last evaluated 2026-07-30.

Conditions:
APC-related disorder. Also called: APC-related condition.

gnomAD v4.1: 4 of 152,136 alleles (0.0026%); highest among the groups gnomAD compares: Non-Finnish European, 0.0044%; no homozygotes.

Submissions (2):

PreventionGenetics, part of Exact Sciences
Classification: Likely benign for APC-related condition. Last evaluated: 2026-07-30. Review status: criteria provided, single submitter. Criteria: ACMG Guidelines, 2015. Collection method: clinical testing. Allele origin: germline.
Comment: This variant is classified as likely benign based on ACMG/AMP sequence variant interpretation guidelines (Richards et al. 2015 PMID: 25741868, with internal and published modifications).

Blueprint Genetics
Classification: Likely benign. Last evaluated: 2024-05-13. Review status: criteria provided, single submitter. Criteria: ACMG Guidelines, 2015. Collection method: clinical testing. Allele origin: germline.